The following is an entry in ClinVar:

NM_206933.4(USH2A):c.2917C>T (p.Gln973Ter)

Genes: USH2A (usherin; minus strand), USH2A-AS1 (USH2A antisense RNA 1; plus strand). Cytogenetic location: 1q41.
Variant type: single nucleotide variant.
Coding change: c.2917C>T on transcript NM_206933.4 (MANE Select); coding-DNA position 2917, C replaced by T.
Protein change: p.Gln973Ter; replaces glutamine 973 with a stop codon.
Molecular consequence: nonsense.
Genome position (GRCh38, 1-based): chr1:216,232,029, G>A on the plus strand (C>T on the coding strand, the complement: USH2A is on the minus strand). VCF-style: chr1-216232029-G-A. GRCh37 (hg19) VCF-style: chr1-216405371-G-A.
Other names: c.2917C>T, p.Gln973Ter (NM_007123.6); short protein forms Q973*.
Identifiers: ClinVar variation 4938961 (VCV004938961.2).
Genomic context (GRCh38, chr1:216,232,029, plus strand): 5'-CAAATCCAAAGTAATGGTCTTTGCATTGGTCACAACGTTGCCCAGCAATGGAAGCATCTT[G>A]GCAAACACACTGACCAGTCAGGCTATTACAGATGTGATTAACTGCACCAGTTGTATGGCA-3'

ClinVar aggregate classification (germline): Pathogenic/Likely pathogenic. Review status: criteria provided, multiple submitters, no conflicts (2 of 4 stars). 2 submissions from 2 submitters: Pathogenic (1); Likely pathogenic (1). Last evaluated 2025-04-03.

Conditions:
USH2A-related disorder. Also called: USH2A-related condition; USH2A-related disorders. Identifiers: MedGen CN239332.

gnomAD v4.1: 1 of 1,614,026 alleles (0.000062%); highest among the groups gnomAD compares: South Asian, 0.0011%; no homozygotes.

Submissions (2):

Myriad Genetics, Inc.
Classification: Pathogenic for USH2A-related disorder. Last evaluated: 2025-04-03. Review status: criteria provided, single submitter. Criteria: Myriad Autosomal Dominant, Autosomal Recessive and X-Linked Classification Criteria (2023). Collection method: clinical testing. Allele origin: unknown.
Comment: NM_206933.2(USH2A):c.2917C>T(Q973*) is expected to be pathogenic in the context of USH2A-related disorders. This variant is predicted to lead to an abnormal or absent protein product due to the creation of a premature termination codon in USH2A, a gene where loss-of-function variants are known to be pathogenic. Please note: this variant was assessed in the context of healthy population screening.

Blueprint Genetics
Classification: Likely pathogenic for USH2A-related disorders. Last evaluated: 2022-09-23. Review status: criteria provided, single submitter. Criteria: ACMG Guidelines, 2015. Collection method: clinical testing. Allele origin: germline. Affected: yes. Observed: 1 variant allele.